The following is an entry in ClinVar:

ClinVar aggregate classification (germline): Uncertain significance. Review status: criteria provided, multiple submitters, no conflicts (2 of 4 stars). 4 submissions from 4 submitters: Uncertain significance (3). 1 of the submissions does not count toward it. Last evaluated 2023-12-21.

Conditions:
Usher syndrome type 2A. Also called: RETINAL DISEASE IN USHER SYNDROME TYPE IIA, MODIFIER OF; USHER SYNDROME, TYPE IIA. Identifiers: Orphanet 231178, Orphanet 886, MedGen C1848634, MONDO:0010169, OMIM 276901.
Inborn genetic diseases. Identifiers: MedGen C0950123, MeSH D030342.

Allele frequency attached by ClinVar (database versions not stated): TOPMed below 0.00001; gnomAD 0.00001; gnomAD exomes 0.00001.
gnomAD v4.1: 12 of 1,613,550 alleles (0.00074%); highest among the groups gnomAD compares: Non-Finnish European, 0.001%; no homozygotes.

Submissions (4):

Ambry Genetics
Classification: Uncertain significance for Inborn genetic diseases. Last evaluated: 2023-12-21. Review status: criteria provided, single submitter. Criteria: Ambry Variant Classification Scheme 2023. Collection method: clinical testing. Allele origin: germline.

Blueprint Genetics
Classification: Uncertain significance. Last evaluated: 2022-09-01. Review status: criteria provided, single submitter. Criteria: ACMG Guidelines, 2015. Collection method: clinical testing. Allele origin: germline.

Labcorp Genetics (formerly Invitae), Labcorp
Classification: Uncertain significance. Last evaluated: 2021-08-31. Review status: criteria provided, single submitter. Criteria: Invitae Variant Classification Sherloc (09022015). Collection method: clinical testing. Allele origin: germline.
Comment: This sequence change replaces proline with alanine at codon 3365 of the USH2A protein (p.Pro3365Ala). The proline residue is highly conserved and there is a small physicochemical difference between proline and alanine. This variant is not present in population databases (ExAC no frequency). This variant has not been reported in the literature in individuals affected with USH2A-related conditions. Algorithms developed to predict the effect of missense changes on protein structure and function are either unavailable or do not agree on the potential impact of this missense change (SIFT: "Deleterious"; PolyPhen-2: "Benign"; Align-GVGD: "Class C25"). In summary, the available evidence is currently insufficient to determine the role of this variant in disease. Therefore, it has been classified as a Variant of Uncertain Significance.

Natera, Inc.
Classification: Uncertain significance for Usher syndrome type 2A. Last evaluated: 2021-02-11. Review status: no assertion criteria provided. Collection method: clinical testing. Allele origin: germline. Not counted in ClinVar's aggregate classification.

NM_206933.4(USH2A):c.10093C>G (p.Pro3365Ala)

Gene: USH2A (usherin; minus strand). Cytogenetic location: 1q41.
Variant type: single nucleotide variant.
Coding change: c.10093C>G on transcript NM_206933.4 (MANE Select); coding-DNA position 10093, C replaced by G.
Protein change: p.Pro3365Ala; replaces proline 3365 with alanine.
Molecular consequence: missense variant.
Genome position (GRCh38, 1-based): chr1:215,790,148, G>C on the plus strand (C>G on the coding strand, the complement: USH2A is on the minus strand). VCF-style: chr1-215790148-G-C. GRCh37 (hg19) VCF-style: chr1-215963490-G-C.
Other names: short protein forms P3365A.
Identifiers: ClinVar variation 855834 (VCV000855834.6), dbSNP rs1661940699, ClinGen allele CA344843872.